The following is an entry in ClinVar:

NM_017813.5(BPNT2):c.469G>C (p.Glu157Gln)

Gene: BPNT2 (3'(2'), 5'-bisphosphate nucleotidase 2; minus strand). Cytogenetic location: 8q12.1.
Variant type: single nucleotide variant.
Coding change: c.469G>C on transcript NM_017813.5 (MANE Select); coding-DNA position 469, G replaced by C.
Protein change: p.Glu157Gln; replaces glutamic acid 157 with glutamine.
Molecular consequence: missense variant.
Genome position (GRCh38, 1-based): chr8:56,980,116, C>G on the plus strand (G>C on the coding strand, the complement: BPNT2 is on the minus strand). VCF-style: chr8-56980116-C-G. GRCh37 (hg19) VCF-style: chr8-57892675-C-G.
Other names: short protein forms E157Q.
Identifiers: ClinVar variation 2053257 (VCV002053257.4), dbSNP rs774598791, ClinGen allele CA4755911.
Genomic context (GRCh38, chr8:56,980,116, plus strand): 5'-CAAGTGGGTCAATCCAGACAGTAACACTTTCTGCTGGTACCTCTTTAGGAGTAGTTACTT[C>G]CTTTAGGATATCCTCAGGAATCTTATGATCCCACAAGATAACCTCCTGATCAGCTGCATC-3'
Protein context (NP_060283.3, residues 147-167): DHKIPEDILK[Glu157Gln]VTTPKEVPAE

ClinVar aggregate classification (germline): Uncertain significance (1 of 4 stars; one submission).

Allele frequency attached by ClinVar (database versions not stated): ExAC 0.00002; gnomAD 0.00001; gnomAD exomes 0.00001; TOPMed 0.00001.

Submission:

Labcorp Genetics (formerly Invitae), Labcorp
Classification: Uncertain significance. Last evaluated: 2022-04-17. Review status: criteria provided, single submitter. Criteria: Invitae Variant Classification Sherloc (09022015). Collection method: clinical testing. Allele origin: germline.
Comment: This sequence change replaces glutamic acid, which is acidic and polar, with glutamine, which is neutral and polar, at codon 157 of the IMPAD1 protein (p.Glu157Gln). This variant is present in population databases (rs774598791, gnomAD 0.04%). This variant has not been reported in the literature in individuals affected with IMPAD1-related conditions. Algorithms developed to predict the effect of missense changes on protein structure and function (SIFT, PolyPhen-2, Align-GVGD) all suggest that this variant is likely to be tolerated. In summary, the available evidence is currently insufficient to determine the role of this variant in disease. Therefore, it has been classified as a Variant of Uncertain Significance.